The following is an entry in ClinVar:

NM_012186.3(FOXE3):c.697G>A (p.Gly233Ser)

Genes: FOXE3 (forkhead box E3; plus strand), LINC01389 (long independently transcribed non-coding RNA 1389; minus strand). Cytogenetic location: 1p33.
Variant type: single nucleotide variant.
Coding change: c.697G>A on transcript NM_012186.3 (MANE Select); coding-DNA position 697, G replaced by A.
Protein change: p.Gly233Ser; replaces glycine 233 with serine.
Molecular consequence: missense variant.
Genome position (GRCh38, 1-based): chr1:47,417,012, G>A. VCF-style: chr1-47417012-G-A. GRCh37 (hg19) VCF-style: chr1-47882684-G-A.
Other names: c.697G>A (NM_012186.2); short protein forms G233S.
Identifiers: ClinVar variation 3758390 (VCV003758390.3).

ClinVar aggregate classification (germline): Uncertain significance. Review status: criteria provided, multiple submitters, no conflicts (2 of 4 stars). 2 submissions from 2 submitters: Uncertain significance (2). Last evaluated 2026-08-16.

Conditions:
Cardiovascular phenotype. Identifiers: MedGen CN230736.
Congenital primary aphakia. Also called: Anterior segment dysgenesis 2, multiple subtypes; ANTERIOR SEGMENT DYSGENESIS 2. Identifiers: Orphanet 83461, MedGen C1853230, MONDO:0012456, OMIM 610256.
Anterior segment dysgenesis. Also called: Ocular anterior segment dysgenesis. Identifiers: Orphanet 88632, MedGen C1862839, MONDO:0019503, HP:0007700.

Submissions (2):

Ambry Genetics
Classification: Uncertain significance for Cardiovascular phenotype. Last evaluated: 2026-08-16. Review status: criteria provided, single submitter. Criteria: Ambry Variant Classification Scheme 2023. Collection method: clinical testing. Allele origin: germline.
Comment: The p.G233S variant (also known as c.697G>A), located in coding exon 1 of the FOXE3 gene, results from a G to A substitution at nucleotide position 697. The glycine at codon 233 is replaced by serine, an amino acid with similar properties. This amino acid position is conserved. In addition, this alteration is predicted to be tolerated by in silico analysis. Based on the available evidence, the clinical significance of this variant remains unclear.

Labcorp Genetics (formerly Invitae), Labcorp
Classification: Uncertain significance for Anterior segment dysgenesis; Congenital primary aphakia. Last evaluated: 2024-07-27. Review status: criteria provided, single submitter. Criteria: Invitae Variant Classification Sherloc (09022015). Collection method: clinical testing. Allele origin: germline.
Comment: This sequence change replaces glycine, which is neutral and non-polar, with serine, which is neutral and polar, at codon 233 of the FOXE3 protein (p.Gly233Ser). This variant is not present in population databases (gnomAD no frequency). This variant has not been reported in the literature in individuals affected with FOXE3-related conditions. Advanced modeling of protein sequence and biophysical properties (such as structural, functional, and spatial information, amino acid conservation, physicochemical variation, residue mobility, and thermodynamic stability) performed at Invitae indicates that this missense variant is not expected to disrupt FOXE3 protein function with a negative predictive value of 95%. In summary, the available evidence is currently insufficient to determine the role of this variant in disease. Therefore, it has been classified as a Variant of Uncertain Significance.